The following is an entry in ClinVar:

NM_001903.5(CTNNA1):c.2340G>A (p.Leu780=)

Gene: CTNNA1 (catenin alpha 1; plus strand). Cytogenetic location: 5q31.2.
Variant type: single nucleotide variant.
Coding change: c.2340G>A on transcript NM_001903.5 (MANE Select); coding-DNA position 2340, G replaced by A.
Protein change: p.Leu780=; no amino-acid change (leucine 780 retained).
Molecular consequence: synonymous variant. On other transcripts: intron variant (1).
Genome position (GRCh38, 1-based): chr5:138,932,619, G>A. VCF-style: chr5-138932619-G-A. GRCh37 (hg19) VCF-style: chr5-138268308-G-A.
Other names: c.2340G>A, p.Leu780= (NM_001290307.3, NM_001323982.2, NM_001323983.1 and 2 more transcripts); c.2031G>A, p.Leu677= (NM_001290309.3); c.1971G>A, p.Leu657= (NM_001290310.3); c.1230G>A, p.Leu410= (NM_001290312.1, NM_001323987.1, NM_001323988.1 and 16 more transcripts); c.2247G>A, p.Leu749= (NM_001323986.2); c.2340G>A (NM_001903.2); c.891G>A, p.Leu297= (NM_001324006.1, NM_001324007.1, NM_001324008.1 and 2 more transcripts); c.1137G>A, p.Leu379= (NM_001324011.1); and 2 more.
Identifiers: ClinVar variation 1125131 (VCV001125131.11), dbSNP rs1060504517, ClinGen allele CA446598191.
Genomic context (GRCh38, chr5:138,932,619, plus strand): 5'-AAGCCTGCTCTCTCTTCAGTGCCCCGACTCGGCTTGCAAGCAGGACCTGCTGGCCTACCT[G>A]CAACGCATCGCCCTCTACTGCCACCAGCTGAACATCTGCAGCAAGGTCAAGGCCGAGGTG-3'
Protein context (NP_001894.2, residues 770-790): SACKQDLLAY[Leu780=]QRIALYCHQL

ClinVar aggregate classification (germline): Benign/Likely benign. Review status: criteria provided, multiple submitters, no conflicts (2 of 4 stars). 3 submissions from 3 submitters: Benign (1); Likely benign (2). Last evaluated 2025-09-22.

Conditions:
Hereditary cancer-predisposing syndrome. Also called: Neoplastic Syndromes, Hereditary; Tumor predisposition; Hereditary Cancer Syndrome; Hereditary neoplastic syndrome. Identifiers: Orphanet 140162, MedGen C0027672, MeSH D009386, MONDO:0015356.
Hereditary diffuse gastric adenocarcinoma (HDGC). Also called: DIFFUSE GASTRIC AND LOBULAR BREAST CANCER SYNDROME. Identifiers: Orphanet 26106, MedGen C1708349, MONDO:0007648, OMIM 137215.

Submissions (3):

Labcorp Genetics (formerly Invitae), Labcorp
Classification: Likely benign. Last evaluated: 2025-09-22. Review status: criteria provided, single submitter. Criteria: Invitae Variant Classification Sherloc (09022015). Collection method: clinical testing. Allele origin: germline.

Myriad Genetics, Inc.
Classification: Benign for Hereditary diffuse gastric adenocarcinoma. Last evaluated: 2024-10-15. Review status: criteria provided, single submitter. Criteria: Myriad Autosomal Dominant, Autosomal Recessive and X-Linked Classification Criteria (2023). Collection method: clinical testing. Allele origin: unknown.
Comment: This variant is considered benign. This variant is a silent/synonymous amino acid change and it is not expected to impact splicing.

Ambry Genetics
Classification: Likely benign for Hereditary cancer-predisposing syndrome. Last evaluated: 2022-11-14. Review status: criteria provided, single submitter. Criteria: Ambry Variant Classification Scheme 2023. Collection method: clinical testing. Allele origin: germline.